The following is an entry in ClinVar:

NM_153676.4(USH1C):c.1889T>C (p.Leu630Pro)

Gene: USH1C (USH1 protein network component harmonin; minus strand). Cytogenetic location: 11p15.1.
Variant type: single nucleotide variant.
Coding change: c.1889T>C on transcript NM_153676.4 (MANE Select); coding-DNA position 1889, T replaced by C.
Protein change: p.Leu630Pro; replaces leucine 630 with proline.
Molecular consequence: missense variant. On other transcripts: intron variant (2).
Genome position (GRCh38, 1-based): chr11:17,509,480, A>G on the plus strand (T>C on the coding strand, the complement: USH1C is on the minus strand). VCF-style: chr11-17509480-A-G. GRCh37 (hg19) VCF-style: chr11-17531027-A-G.
Other names: c.1228-7500T>C (NM_001297764.2); c.1285-7500T>C (NM_005709.4); short protein forms L630P.
Identifiers: ClinVar variation 47985 (VCV000047985.7), dbSNP rs377002861, ClinGen allele CA142313.
Genomic context (GRCh38, chr11:17,509,480, plus strand): 5'-TTTGCCTCCCAGTCCTCCACTGGATTGCCTGTGTCCCCAGTGCGGAAGGGATGGTTGCTC[A>G]GTGCTTCTTCCAGCGCCGAGGGCAGTGGGCGGGTGGGAGTGAGGTCTTGGGTGGGAACGG-3'
Protein context (NP_710142.1, residues 620-640): RPLPSALEEA[Leu630Pro]SNHPFRTGDT

ClinVar aggregate classification (germline): Conflicting classifications of pathogenicity. Review status: criteria provided, conflicting classifications (1 of 4 stars). 3 submissions from 3 submitters: Uncertain significance (2); Likely benign (1). Last evaluated 2026-05-23.

Conditions:
USH1C-related disorder. Also called: USH1C-related condition.

Allele frequency attached by ClinVar (database versions not stated): ExAC 0.00002; gnomAD exomes 0.00003; gnomAD 0.00014 and 0.00015; ESP Exome Variant Server 0.00015.
gnomAD v4.1: 44 of 1,466,810 alleles (0.003%); highest among the groups gnomAD compares: African/African-American, 0.06%; no homozygotes.

Submissions (3):

PreventionGenetics, part of Exact Sciences
Classification: Uncertain significance for USH1C-related condition. Last evaluated: 2026-05-23. Review status: criteria provided, single submitter. Criteria: ACMG Guidelines, 2015. Collection method: clinical testing. Allele origin: germline.
Comment: The USH1C c.1889T>C variant is predicted to result in the amino acid substitution p.Leu630Pro. To our knowledge, this variant has not been reported in the literature. This variant is reported in 0.044% of alleles in individuals of African descent in gnomAD. At this time, the clinical significance of this variant is uncertain due to the absence of conclusive functional and genetic evidence.

Blueprint Genetics
Classification: Likely benign. Last evaluated: 2021-06-30. Review status: criteria provided, single submitter. Criteria: ACMG Guidelines, 2015. Collection method: clinical testing. Allele origin: germline.

Laboratory for Molecular Medicine, Mass General Brigham Personalized Medicine
Classification: Uncertain significance. Last evaluated: 2010-08-16. Review status: criteria provided, single submitter. Criteria: LMM Criteria. Collection method: clinical testing. Allele origin: germline. Observed: 2 variant alleles.
Comment: Variant classified as Uncertain Significance - Favor Benign. The Leu630Pro varia nt in USH1C has not been reported in the literature nor previously identified by our laboratory. This residue is conserved across species; however, computationa l analyses (PolyPhen, SIFT, AlignGVGD) provide inconsistent predictions regardin g the impact to the protein though this information is not very predictive of pa thogenicity anyway. In summary, the clinical significance of this variant cannot be determined at this time; however based upon the identification of the varian t in a patient with another explanation for hearing loss and without a variant o n the second copy of USH1C, we would lean towards a more likely benign role.